The following is an entry in ClinVar:

NM_001127222.2(CACNA1A):c.6527-134C>T

Gene: CACNA1A (calcium voltage-gated channel subunit alpha1 A; minus strand). Cytogenetic location: 19p13.13.
Variant type: single nucleotide variant.
Coding change: c.6527-134C>T on transcript NM_001127222.2 (MANE Select); 134 bases into the intron before coding-DNA position 6527, C replaced by T.
Molecular consequence: intron variant.
Genome position (GRCh38, 1-based): chr19:13,209,143, G>A on the plus strand (C>T on the coding strand, the complement: CACNA1A is on the minus strand). VCF-style: chr19-13209143-G-A. GRCh37 (hg19) VCF-style: chr19-13319957-G-A.
Other names: c.6530-134C>T (NM_001127221.2); c.6536-134C>T (NM_001174080.2); c.6545-134C>T (NM_000068.4, NM_023035.3).
Identifiers: ClinVar variation 677703 (VCV000677703.2), dbSNP rs181255369, ClinGen allele CA305547806.

ClinVar aggregate classification (germline): Likely benign. Review status: criteria provided, multiple submitters, no conflicts (2 of 4 stars). 2 submissions from 2 submitters: Likely benign (2). Last evaluated 2018-06-14.

Allele frequency attached by ClinVar (database versions not stated): gnomAD 0.00776 and 0.00826; TOPMed 0.00893; 1000 Genomes Project 0.01058; 1000 Genomes Project 30x 0.01265.
gnomAD v4.1: 2,187 of 1,379,756 alleles (0.16%); highest among the groups gnomAD compares: African/African-American, 2.5%; 15 homozygotes.

Submissions (2):

GeneDx
Classification: Likely benign. Last evaluated: 2018-06-14. Review status: criteria provided, single submitter. Criteria: GeneDx Variant Classification (06012015). Collection method: clinical testing. Allele origin: germline. Affected: yes.
Comment: This variant is considered likely benign or benign based on one or more of the following criteria: it is a conservative change, it occurs at a poorly conserved position in the protein, it is predicted to be benign by multiple in silico algorithms, and/or has population frequency not consistent with disease.

Breakthrough Genomics
Classification: Likely benign. Review status: criteria provided, single submitter. Criteria: ACMG Guidelines, 2015. Collection method: not provided. Allele origin: germline. Inheritance: Autosomal dominant inheritance. Affected: yes.